The following is an entry in ClinVar:

ClinVar aggregate classification (germline): Uncertain significance. Review status: criteria provided, multiple submitters, no conflicts (2 of 4 stars). 2 submissions from 2 submitters: Uncertain significance (2). Last evaluated 2024-08-12.

Conditions:
Hereditary cancer-predisposing syndrome. Also called: Tumor predisposition; Neoplastic Syndromes, Hereditary; Hereditary Cancer Syndrome; Hereditary neoplastic syndrome. Identifiers: Orphanet 140162, MedGen C0027672, MeSH D009386, MONDO:0015356.

Submissions (2):

Ambry Genetics
Classification: Uncertain significance for Hereditary cancer-predisposing syndrome. Last evaluated: 2024-08-12. Review status: criteria provided, single submitter. Criteria: Ambry Variant Classification Scheme 2023. Collection method: clinical testing. Allele origin: germline.
Comment: The p.L53V variant (also known as c.157C>G), located in coding exon 2 of the POLE gene, results from a C to G substitution at nucleotide position 157. The leucine at codon 53 is replaced by valine, an amino acid with highly similar properties. This amino acid position is conserved. In addition, this alteration is predicted to be tolerated by in silico analysis. Based on the available evidence, the clinical significance of this variant remains unclear.

Labcorp Genetics (formerly Invitae), Labcorp
Classification: Uncertain significance. Last evaluated: 2023-07-03. Review status: criteria provided, single submitter. Criteria: Invitae Variant Classification Sherloc (09022015). Collection method: clinical testing. Allele origin: germline.
Comment: This variant has not been reported in the literature in individuals affected with POLE-related conditions. Advanced modeling of protein sequence and biophysical properties (such as structural, functional, and spatial information, amino acid conservation, physicochemical variation, residue mobility, and thermodynamic stability) performed at Invitae indicates that this missense variant is not expected to disrupt POLE protein function. In summary, the available evidence is currently insufficient to determine the role of this variant in disease. Therefore, it has been classified as a Variant of Uncertain Significance. This variant is not present in population databases (gnomAD no frequency). This sequence change replaces leucine, which is neutral and non-polar, with valine, which is neutral and non-polar, at codon 53 of the POLE protein (p.Leu53Val).

NM_006231.4(POLE):c.157C>G (p.Leu53Val)

Gene: POLE (DNA polymerase epsilon, catalytic subunit; minus strand). Cytogenetic location: 12q24.33.
Variant type: single nucleotide variant.
Coding change: c.157C>G on transcript NM_006231.4 (MANE Select); coding-DNA position 157, C replaced by G.
Protein change: p.Leu53Val; replaces leucine 53 with valine.
Molecular consequence: missense variant.
Genome position (GRCh38, 1-based): chr12:132,681,185, G>C on the plus strand (C>G on the coding strand, the complement: POLE is on the minus strand). VCF-style: chr12-132681185-G-C. GRCh37 (hg19) VCF-style: chr12-133257771-G-C.
Other names: c.157C>G (NM_006231.2); short protein forms L53V.
Identifiers: ClinVar variation 2837246 (VCV002837246.4), dbSNP rs915665174, ClinGen allele CA387369921.